The following is an entry in ClinVar:

NM_000302.4(PLOD1):c.1578C>A (p.Asn526Lys)

Gene: PLOD1 (procollagen-lysine,2-oxoglutarate 5-dioxygenase 1; plus strand). Cytogenetic location: 1p36.22.
Variant type: single nucleotide variant.
Coding change: c.1578C>A on transcript NM_000302.4 (MANE Select); coding-DNA position 1578, C replaced by A.
Protein change: p.Asn526Lys; replaces asparagine 526 with lysine.
Molecular consequence: missense variant.
Genome position (GRCh38, 1-based): chr1:11,965,587, C>A. VCF-style: chr1-11965587-C-A. GRCh37 (hg19) VCF-style: chr1-12025644-C-A.
Other names: c.1719C>A, p.Asn573Lys (NM_001316320.2); short protein forms N526K, N573K.
Identifiers: ClinVar variation 1339237 (VCV001339237.3), dbSNP rs758701213, ClinGen allele CA598449.

ClinVar aggregate classification (germline): Uncertain significance. Review status: criteria provided, multiple submitters, no conflicts (2 of 4 stars). 2 submissions from 2 submitters: Uncertain significance (2). Last evaluated 2024-11-07.

Conditions:
Ehlers-Danlos syndrome, kyphoscoliotic type 1 (EDSKSCL1). Also called: Ehlers-Danlos syndrome, hydroxylysine-deficient; EHLERS-DANLOS SYNDROME, TYPE VIA; PLOD1-Related Kyphoscoliotic Ehlers-Danlos Syndrome; EHLERS-DANLOS SYNDROME, OCULAR-SCOLIOTIC TYPE. Identifiers: Orphanet 1900, MedGen C0268342, MONDO:0016002, OMIM 225400. Disease mechanism: loss of function.

Allele frequency attached by ClinVar (database versions not stated): ExAC 0.00001.
gnomAD v4.1: 4 of 1,605,774 alleles (0.00025%); highest among the groups gnomAD compares: Non-Finnish European, 0.00017%; no homozygotes.

Submissions (2):

Blueprint Genetics
Classification: Uncertain significance. Last evaluated: 2024-11-07. Review status: criteria provided, single submitter. Criteria: ACMG Guidelines, 2015. Collection method: clinical testing. Allele origin: germline.

Neuberg Centre For Genomic Medicine, NCGM
Classification: Uncertain significance for Ehlers-Danlos syndrome, kyphoscoliotic type 1. Review status: criteria provided, single submitter. Criteria: ACMG Guidelines, 2015. Collection method: clinical testing. Allele origin: germline. Affected: yes.
Comment: The missense variant p.N526K in PLOD1 (NM_000302.4) has not been reported previously as a pathogenic variant nor as a benign variant, to our knowledge. The p.N526K variant is observed in 4 alleles in heterozygous state (0.001%) in gnomAD Exomes and is novel (not in any individuals) in 1000 Genomes. In silico tools predict the variant to be damaging and the res